The following is an entry in ClinVar:

NM_015175.3(NBEAL2):c.1825C>G (p.Leu609Val)

Gene: NBEAL2 (neurobeachin like 2; plus strand). Cytogenetic location: 3p21.31.
Variant type: single nucleotide variant.
Coding change: c.1825C>G on transcript NM_015175.3 (MANE Select); coding-DNA position 1825, C replaced by G.
Protein change: p.Leu609Val; replaces leucine 609 with valine.
Molecular consequence: missense variant.
Genome position (GRCh38, 1-based): chr3:46,995,560, C>G. VCF-style: chr3-46995560-C-G. GRCh37 (hg19) VCF-style: chr3-47037050-C-G.
Other names: c.1723C>G, p.Leu575Val (NM_001365116.2); short protein forms L575V, L609V.
Identifiers: ClinVar variation 4532761 (VCV004532761.1).

ClinVar aggregate classification (germline): Uncertain significance (1 of 4 stars; one submission).

gnomAD v4.1: 11 of 1,612,718 alleles (0.00068%); highest among the groups gnomAD compares: Admixed American, 0.017%; no homozygotes.

Submission:

GeneDx
Classification: Uncertain significance. Last evaluated: 2025-05-29. Review status: criteria provided, single submitter. Criteria: GeneDx Variant Classification Process June 2021. Collection method: clinical testing. Allele origin: germline. Affected: yes.
Comment: In silico analysis suggests that this missense variant does not alter protein structure/function; Has not been previously published as pathogenic or benign to our knowledge